The following is an entry in ClinVar:

NM_018975.4(TERF2IP):c.265G>A (p.Glu89Lys)

Gene: TERF2IP (TERF2 interacting protein; plus strand). Cytogenetic location: 16q23.1.
Variant type: single nucleotide variant.
Coding change: c.265G>A on transcript NM_018975.4 (MANE Select); coding-DNA position 265, G replaced by A.
Protein change: p.Glu89Lys; replaces glutamic acid 89 with lysine.
Molecular consequence: missense variant. On other transcripts: non-coding transcript variant (1).
Genome position (GRCh38, 1-based): chr16:75,648,147, G>A. VCF-style: chr16-75648147-G-A. GRCh37 (hg19) VCF-style: chr16-75682045-G-A.
Other names: short protein forms E89K.
Identifiers: ClinVar variation 3325444 (VCV003325444.1).

ClinVar aggregate classification (germline): Uncertain significance (1 of 4 stars; one submission).

Submission:

Ambry Genetics
Classification: Uncertain significance. Last evaluated: 2024-03-17. Review status: criteria provided, single submitter. Criteria: Ambry Variant Classification Scheme 2023. Collection method: clinical testing. Allele origin: germline.
Comment: The p.E89K variant (also known as c.265G>A), located in coding exon 1 of the TERF2IP gene, results from a G to A substitution at nucleotide position 265. The glutamic acid at codon 89 is replaced by lysine, an amino acid with similar properties. This amino acid position is conserved. In addition, this alteration is predicted to be tolerated by in silico analysis. Based on the available evidence, the clinical significance of this alteration remains unclear.